The following is an entry in ClinVar:

NC_000005.9:g.(?_138268247)_(138269778_?)dup

Gene: CTNNA1 (catenin alpha 1; plus strand). Cytogenetic location: 5q31.2.
Variant type: Duplication.
Identifiers: ClinVar variation 3246478 (VCV003246478.1).

ClinVar aggregate classification (germline): Uncertain significance (1 of 4 stars; one submission).

Submission:

Labcorp Genetics (formerly Invitae), Labcorp
Classification: Uncertain significance. Last evaluated: 2024-01-25. Review status: criteria provided, single submitter. Criteria: Invitae Variant Classification Sherloc (09022015). Collection method: clinical testing. Allele origin: unknown.
Comment: This variant results in a copy number gain of the genomic region encompassing exon(s) 17-18 of the CTNNA1 gene. This region includes the termination codon of the gene. This copy number gain extends beyond the assayed region for this gene and therefore may encompass additional genes. As the precise location of this event is unknown, it may be in tandem or it may be located elsewhere in the genome. This variant has not been reported in the literature in individuals affected with CTNNA1-related conditions. In summary, the available evidence is currently insufficient to determine the role of this variant in disease. Therefore, it has been classified as a Variant of Uncertain Significance.